The following is an entry in ClinVar:

NM_033026.6(PCLO):c.11625A>C (p.Glu3875Asp)

Gene: PCLO (piccolo presynaptic cytomatrix protein; minus strand). Cytogenetic location: 7q21.11.
Variant type: single nucleotide variant.
Coding change: c.11625A>C on transcript NM_033026.6 (MANE Select); coding-DNA position 11625, A replaced by C.
Protein change: p.Glu3875Asp; replaces glutamic acid 3875 with aspartic acid.
Molecular consequence: missense variant.
Genome position (GRCh38, 1-based): chr7:82,916,361, T>G on the plus strand (A>C on the coding strand, the complement: PCLO is on the minus strand). VCF-style: chr7-82916361-T-G. GRCh37 (hg19) VCF-style: chr7-82545677-T-G.
Other names: c.11625A>C, p.Glu3875Asp (NM_014510.3); short protein forms E3875D.
Identifiers: ClinVar variation 1394460 (VCV001394460.4), dbSNP rs1043469538, ClinGen allele CA161121828.

ClinVar aggregate classification (germline): Uncertain significance (1 of 4 stars; one submission).

Allele frequency attached by ClinVar (database versions not stated): gnomAD 0.00002; TOPMed 0.00003.
gnomAD v4.1: 3 of 1,613,468 alleles (0.00019%); highest among the groups gnomAD compares: African/African-American, 0.004%; no homozygotes.

Submission:

Labcorp Genetics (formerly Invitae), Labcorp
Classification: Uncertain significance. Last evaluated: 2022-11-15. Review status: criteria provided, single submitter. Criteria: Invitae Variant Classification Sherloc (09022015). Collection method: clinical testing. Allele origin: germline.
Comment: This variant is present in population databases (no rsID available, gnomAD 0.01%). In summary, the available evidence is currently insufficient to determine the role of this variant in disease. Therefore, it has been classified as a Variant of Uncertain Significance. Algorithms developed to predict the effect of missense changes on protein structure and function are either unavailable or do not agree on the potential impact of this missense change (SIFT: "Tolerated"; PolyPhen-2: "Not Available"; Align-GVGD: "Class C0"). ClinVar contains an entry for this variant (Variation ID: 1394460). This variant has not been reported in the literature in individuals affected with PCLO-related conditions. This sequence change replaces glutamic acid, which is acidic and polar, with aspartic acid, which is acidic and polar, at codon 3875 of the PCLO protein (p.Glu3875Asp).